The following is an entry in ClinVar:

NM_015627.3(LDLRAP1):c.*506C>T

Gene: LDLRAP1 (low density lipoprotein receptor adaptor protein 1; plus strand). Cytogenetic location: 1p36.11.
Variant type: single nucleotide variant.
Coding change: c.*506C>T on transcript NM_015627.3 (MANE Select); 506 bases downstream of the stop codon, C replaced by T.
Molecular consequence: 3 prime UTR variant.
Genome position (GRCh38, 1-based): chr1:25,567,498, C>T. VCF-style: chr1-25567498-C-T. GRCh37 (hg19) VCF-style: chr1-25893989-C-T.
Identifiers: ClinVar variation 296995 (VCV000296995.5), dbSNP rs148168078, ClinGen allele CA10609998.

ClinVar aggregate classification (germline): Likely benign (1 of 4 stars; one submission).

Conditions:
Hypercholesterolemia, familial, 4 (FHCL4). Also called: HYPERCHOLESTEROLEMIA, AUTOSOMAL RECESSIVE, 1; HYPERCHOLESTEROLEMIA, AUTOSOMAL RECESSIVE, 2. Identifiers: Orphanet 391665, MedGen C1863512, MONDO:0011374, OMIM 603813.

Allele frequency attached by ClinVar (database versions not stated): gnomAD 0.00189 and 0.00197; TOPMed 0.00217; 1000 Genomes Project 0.00240; 1000 Genomes Project 30x 0.00312.
gnomAD v4.1: 311 of 255,272 alleles (0.12%); highest among the groups gnomAD compares: African/African-American, 0.61%; 1 homozygote.

Submission:

Illumina Laboratory Services, Illumina
Classification: Likely benign for Hypercholesterolemia, familial, 4. Last evaluated: 2018-01-13. Review status: criteria provided, single submitter. Criteria: ICSL Variant Classification Criteria 13 December 2019. Collection method: clinical testing. Allele origin: germline.
Comment: This variant was observed in the ICSL laboratory as part of a predisposition screen in an ostensibly healthy population. It had not been previously curated by ICSL or reported in the Human Gene Mutation Database (HGMD: prior to June 1st, 2018), and was therefore a candidate for classification through an automated scoring system. Utilizing variant allele frequency, disease prevalence and penetrance estimates, and inheritance mode, an automated score was calculated to assess if this variant is too frequent to cause the disease. Based on the score and internal cut-off values, a variant classified as likely benign is not then subjected to further curation. The score for this variant resulted in a classification of likely benign for this disease.